The following is an entry in ClinVar:

ClinVar aggregate classification (germline): Uncertain significance (1 of 4 stars; one submission).

Conditions:
Autoimmune lymphoproliferative syndrome type 1. Also called: AUTOIMMUNE LYMPHOPROLIFERATIVE SYNDROME, TYPE I, AUTOSOMAL DOMINANT. Identifiers: Orphanet 3261, MedGen C2717884, MONDO:0011158, OMIM 601859.

Submission:

Labcorp Genetics (formerly Invitae), Labcorp
Classification: Uncertain significance for Autoimmune lymphoproliferative syndrome. Last evaluated: 2025-04-08. Review status: criteria provided, single submitter. Criteria: Invitae Variant Classification Sherloc (09022015). Collection method: clinical testing. Allele origin: germline.
Comment: This sequence change replaces asparagine, which is neutral and polar, with threonine, which is neutral and polar, at codon 326 of the FAS protein (p.Asn326Thr). This variant is not present in population databases (gnomAD no frequency). This variant has not been reported in the literature in individuals affected with FAS-related conditions. An algorithm developed to predict the effect of missense changes on protein structure and function (PolyPhen-2) suggests that this variant is likely to be tolerated. In summary, the available evidence is currently insufficient to determine the role of this variant in disease. Therefore, it has been classified as a Variant of Uncertain Significance.

NM_000043.6(FAS):c.977A>C (p.Asn326Thr)

Gene: FAS (Fas cell surface death receptor; plus strand). Cytogenetic location: 10q23.31.
Variant type: single nucleotide variant.
Coding change: c.977A>C on transcript NM_000043.6 (MANE Select); coding-DNA position 977, A replaced by C.
Protein change: p.Asn326Thr; replaces asparagine 326 with threonine.
Molecular consequence: missense variant. On other transcripts: 3 prime UTR variant (2), non-coding transcript variant (7).
Genome position (GRCh38, 1-based): chr10:89,014,419, A>C. VCF-style: chr10-89014419-A-C. GRCh37 (hg19) VCF-style: chr10-90774176-A-C.
Other names: c.*300A>C (NM_001320619.2); c.1022A>C, p.Asn341Thr (NM_001410956.1); c.914A>C, p.Asn305Thr (NM_152871.4); c.*289A>C (NM_152872.4); short protein forms N305T, N341T, N326T.
Identifiers: ClinVar variation 4716844 (VCV004716844.1).